The following is an entry in ClinVar:

ClinVar aggregate classification (germline): Conflicting classifications of pathogenicity. Review status: criteria provided, conflicting classifications (1 of 4 stars). 4 submissions from 4 submitters: Uncertain significance (1); Likely benign (2). 1 of the submissions does not count toward it. Last evaluated 2024-07-02.

Conditions:
Inborn genetic diseases. Identifiers: MedGen C0950123, MeSH D030342.
Developmental delay with or without dysmorphic facies and autism. Identifiers: MedGen C5193106, MONDO:0032760, OMIM 618454.

Allele frequency attached by ClinVar (database versions not stated): gnomAD 0.00001; gnomAD exomes 0.00001; ExAC 0.00004; 1000 Genomes Project 30x 0.00016; 1000 Genomes Project 0.00020.
gnomAD v4.1: 16 of 1,614,216 alleles (0.00099%); highest among the groups gnomAD compares: South Asian, 0.014%; no homozygotes.

Submissions (4):

Ambry Genetics
Classification: Likely benign for Inborn genetic diseases. Last evaluated: 2024-07-02. Review status: criteria provided, single submitter. Criteria: Ambry Variant Classification Scheme 2023. Collection method: clinical testing. Allele origin: germline.

Labcorp Genetics (formerly Invitae), Labcorp
Classification: Likely benign. Last evaluated: 2024-04-15. Review status: criteria provided, single submitter. Criteria: Invitae Variant Classification Sherloc (09022015). Collection method: clinical testing. Allele origin: germline.

Revvity Omics, Revvity
Classification: Uncertain significance. Last evaluated: 2022-06-10. Review status: criteria provided, single submitter. Criteria: ACMG Guidelines, 2015. Collection method: clinical testing. Allele origin: germline.

Hong-Tao Li Lab, Institute of Brain Science and Brain-inspired Research, Shandong First Medical University & Shandong Academy of Medical Sciences China
Classification: Uncertain significance for Developmental delay with or without dysmorphic facies and autism. Review status: no assertion criteria provided. Collection method: research. Allele origin: germline. Inheritance: Autosomal dominant inheritance. Affected: yes. Observed: 1 variant allele, 1 heterozygote. Not counted in ClinVar's aggregate classification.
Comment: Observed in affected individuals from a Pakistani neurodevelopmental-disorder research cohort of 263 individuals. Classification assigned using the ACMG/AMP framework. Population-frequency evidence: gnomAD AF 3.579e-05.

NM_001375524.1(TRRAP):c.6806A>G (p.Asn2269Ser)

Gene: TRRAP (transformation/transcription domain associated protein; plus strand). Cytogenetic location: 7q22.1.
Variant type: single nucleotide variant.
Coding change: c.6806A>G on transcript NM_001375524.1 (MANE Select); coding-DNA position 6806, A replaced by G.
Protein change: p.Asn2269Ser; replaces asparagine 2269 with serine.
Molecular consequence: missense variant.
Genome position (GRCh38, 1-based): chr7:98,962,404, A>G. VCF-style: chr7-98962404-A-G. GRCh37 (hg19) VCF-style: chr7-98560027-A-G.
Other names: c.6785A>G, p.Asn2262Ser (NM_001244580.2); c.6731A>G, p.Asn2244Ser (NM_003496.4); c.6785A>G (NM_001244580.1); short protein forms N2244S, N2262S, N2269S.
Identifiers: ClinVar variation 2437367 (VCV002437367.8), dbSNP rs529639313, ClinGen allele CA4360964.